The following is an entry in ClinVar:

NM_000094.4(COL7A1):c.5977G>T (p.Glu1993Ter)

Gene: COL7A1 (collagen type VII alpha 1 chain; minus strand). Cytogenetic location: 3p21.31.
Variant type: single nucleotide variant.
Coding change: c.5977G>T on transcript NM_000094.4 (MANE Select); coding-DNA position 5977, G replaced by T.
Protein change: p.Glu1993Ter; replaces glutamic acid 1993 with a stop codon.
Molecular consequence: nonsense.
Genome position (GRCh38, 1-based): chr3:48,575,628, C>A on the plus strand (G>T on the coding strand, the complement: COL7A1 is on the minus strand). VCF-style: chr3-48575628-C-A. GRCh37 (hg19) VCF-style: chr3-48613061-C-A.
Other names: short protein forms E1993*.
Identifiers: ClinVar variation 5013779 (VCV005013779.1).

ClinVar aggregate classification (germline): Pathogenic (1 of 4 stars; one submission).

Conditions:
Recessive dystrophic epidermolysis bullosa (RDEB). Also called: DYSTROPHIC EPIDERMOLYSIS BULLOSA, AUTOSOMAL RECESSIVE; EPIDERMOLYSIS BULLOSA DYSTROPHICA, HALLOPEAU-SIEMENS TYPE; Hallopeau-Siemens Disease; severe generalized recessive dystrophic epidermolysis bullosa; EPIDERMOLYSIS BULLOSA DYSTROPHICA, GENERALIZED SEVERE, AUTOSOMAL RECESSIVE; Epidermolysis Bullosa Distrophica Autosomal Recessive (RDEB). Identifiers: Orphanet 79408, Orphanet 79409, MedGen C0079474, MONDO:0009179, OMIM 226600.

gnomAD v4.1: 5 of 1,613,332 alleles (0.00031%); highest among the groups gnomAD compares: Non-Finnish European, 0.00042%; no homozygotes.

Submission:

Myriad Genetics, Inc.
Classification: Pathogenic for Recessive dystrophic epidermolysis bullosa. Last evaluated: 2024-11-21. Review status: criteria provided, single submitter. Criteria: Myriad Autosomal Dominant, Autosomal Recessive and X-Linked Classification Criteria (2023). Collection method: clinical testing. Allele origin: unknown.
Comment: NM_000094.3(COL7A1):c.5977G>T(E1993*) is expected to be pathogenic in the context of dystrophic epidermolysis bullosa. This variant is predicted to lead to an abnormal or absent protein product due to the creation of a premature termination codon in COL7A1, a gene where loss-of-function variants are known to be pathogenic. Please note: this variant was assessed in the context of healthy population screening.